The following is an entry in ClinVar:

ClinVar aggregate classification (germline): Uncertain significance (1 of 4 stars; one submission).

Conditions:
Cardiovascular phenotype. Identifiers: MedGen CN230736.

gnomAD v4.1: 1 of 1,614,056 alleles (0.000062%); highest among the groups gnomAD compares: Non-Finnish European, 0.000085%; no homozygotes.

Submission:

Ambry Genetics
Classification: Uncertain significance for Cardiovascular phenotype. Last evaluated: 2023-03-18. Review status: criteria provided, single submitter. Criteria: Ambry Variant Classification Scheme 2023. Collection method: clinical testing. Allele origin: germline.
Comment: The p.R1860P variant (also known as c.5579G>C), located in coding exon 34 of the FLNC gene, results from a G to C substitution at nucleotide position 5579. The arginine at codon 1860 is replaced by proline, an amino acid with dissimilar properties. This amino acid position is conserved. In addition, this alteration is predicted to be tolerated by in silico analysis. Since supporting evidence is limited at this time, the clinical significance of this alteration remains unclear.

NM_001458.5(FLNC):c.5579G>C (p.Arg1860Pro)

Genes: FLNC (filamin C; plus strand), FLNC-AS1 (FLNC antisense RNA 1; minus strand). Cytogenetic location: 7q32.1.
Variant type: single nucleotide variant.
Coding change: c.5579G>C on transcript NM_001458.5 (MANE Select); coding-DNA position 5579, G replaced by C.
Protein change: p.Arg1860Pro; replaces arginine 1860 with proline.
Molecular consequence: missense variant.
Genome position (GRCh38, 1-based): chr7:128,851,271, G>C. VCF-style: chr7-128851271-G-C. GRCh37 (hg19) VCF-style: chr7-128491325-G-C.
Other names: c.5480G>C, p.Arg1827Pro (NM_001127487.2); short protein forms R1827P, R1860P.
Identifiers: ClinVar variation 2565503 (VCV002565503.2), dbSNP rs1019973830, ClinGen allele CA369207345.